The following is an entry in ClinVar:

ClinVar aggregate classification (germline): Uncertain significance. Review status: criteria provided, single submitter (1 of 4 stars). 2 submissions from 2 submitters: Uncertain significance (1). 1 of the submissions does not count toward it. Last evaluated 2024-11-15.

Conditions:
ABCB4-related disorder. Also called: ABCB4-related disorders; ABCB4-related condition.

gnomAD v4.1: 1 of 1,614,208 alleles (0.000062%); highest among the groups gnomAD compares: Non-Finnish European, 0.000085%; no homozygotes.

Submissions (2):

GeneDx
Classification: Uncertain significance. Last evaluated: 2024-11-15. Review status: criteria provided, single submitter. Criteria: GeneDx Variant Classification Process June 2021. Collection method: clinical testing. Allele origin: germline. Affected: yes.
Comment: Not observed at significant frequency in large population cohorts (gnomAD); In silico analysis supports that this missense variant has a deleterious effect on protein structure/function; Has not been previously published as pathogenic or benign to our knowledge

PreventionGenetics, part of Exact Sciences
Classification: Uncertain significance for ABCB4-related condition. Last evaluated: 2024-04-09. Review status: no assertion criteria provided. Collection method: clinical testing. Allele origin: germline. Not counted in ClinVar's aggregate classification.
Comment: The ABCB4 c.3168C>A variant is predicted to result in the amino acid substitution p.Ser1056Arg. To our knowledge, this variant has not been reported in the literature or in a large population database, indicating this variant is rare. At this time, the clinical significance of this variant is uncertain due to the absence of conclusive functional and genetic evidence.

NM_000443.4(ABCB4):c.3168C>A (p.Ser1056Arg)

Gene: ABCB4 (ATP binding cassette subfamily B member 4; minus strand). Cytogenetic location: 7q21.12.
Variant type: single nucleotide variant.
Coding change: c.3168C>A on transcript NM_000443.4 (MANE Select); coding-DNA position 3168, C replaced by A.
Protein change: p.Ser1056Arg; replaces serine 1056 with arginine.
Molecular consequence: missense variant.
Genome position (GRCh38, 1-based): chr7:87,408,148, G>T on the plus strand (C>A on the coding strand, the complement: ABCB4 is on the minus strand). VCF-style: chr7-87408148-G-T. GRCh37 (hg19) VCF-style: chr7-87037464-G-T.
Other names: c.3168C>A, p.Ser1056Arg (NM_018849.3); c.3027C>A, p.Ser1009Arg (NM_018850.3); short protein forms S1009R, S1056R.
Identifiers: ClinVar variation 3353677 (VCV003353677.2).